The following is an entry in ClinVar:

ClinVar aggregate classification (germline): Pathogenic/Likely pathogenic. Review status: criteria provided, multiple submitters, no conflicts (2 of 4 stars). 4 submissions from 4 submitters: Pathogenic (3); Likely pathogenic (1). Last evaluated 2026-02-12.

Conditions:
PHEX-related disorder. Also called: PHEX-related condition.
Familial X-linked hypophosphatemic vitamin D refractory rickets (XLHRD). Also called: X-Linked Hypophosphatemia; HYPOPHOSPHATEMIC VITAMIN D-RESISTANT RICKETS; Hypophosphatemia, vitamin D-resistant rickets; Vitamin D-resistant rickets, X-linked; Hypophosphatemic Rickets, X-Linked Dominant. Identifiers: Orphanet 89936, MedGen C0733682, MONDO:0010619, OMIM 307800.

Submissions (4):

GeneDx
Classification: Pathogenic. Last evaluated: 2026-02-12. Review status: criteria provided, single submitter. Criteria: GeneDx Variant Classification Process June 2021. Collection method: clinical testing. Allele origin: germline.
Comment: Canonical splice site variant predicted to result in a null allele in a gene for which loss of function is a known mechanism of disease; Not observed at significant frequency in large population cohorts (gnomAD); This variant is associated with the following publications: (PMID: 30682568, 32772199, 34141703, 36672821, 34633109, 38950880, 14564066)

Women's Health and Genetics/Laboratory Corporation of America, LabCorp
Classification: Pathogenic for Familial X-linked hypophosphatemic vitamin D refractory rickets. Last evaluated: 2023-11-07. Review status: criteria provided, single submitter. Criteria: LabCorp Variant Classification Summary - May 2015. Collection method: clinical testing. Allele origin: germline.
Comment: Variant summary: PHEX c.118+1G>A is located in a canonical splice-site and is predicted to affect mRNA splicing resulting in a significantly altered protein due to either exon skipping, shortening, or inclusion of intronic material. Several computational tools predict a significant impact on normal splicing: Four predict the variant abolishes the 5' canonical splicing donor site. However, these predictions have yet to be confirmed by functional studies. The variant was absent in 182363 control chromosomes. c.118+1G>A has been reported in the literature in at-least three individuals affected with X-Linked Hypophosphatemic Rickets (examples, Baroncelli_2021, Lin_2021, Popowska_2001). These data indicate that the variant is very likely associated with disease. To our knowledge, no experimental evidence demonstrating an impact on protein function has been reported. The following publications have been ascertained in the context of this evaluation (PMID: 32772199, 34141703, 14564066). One submitter has cited clinical-significance assessments for this variant to ClinVar after 2014 and has classified the variant as pathogenic. Based on the evidence outlined above, the variant was classified as pathogenic.

Labcorp Genetics (formerly Invitae), Labcorp
Classification: Pathogenic. Last evaluated: 2022-11-16. Review status: criteria provided, single submitter. Criteria: Invitae Variant Classification Sherloc (09022015). Collection method: clinical testing. Allele origin: germline.
Comment: For these reasons, this variant has been classified as Pathogenic. Algorithms developed to predict the effect of sequence changes on RNA splicing suggest that this variant may disrupt the consensus splice site. ClinVar contains an entry for this variant (Variation ID: 946464). Disruption of this splice site has been observed in individuals with hypophosphatemia (Invitae). This variant is not present in population databases (gnomAD no frequency). This sequence change affects a donor splice site in intron 1 of the PHEX gene. It is expected to disrupt RNA splicing. Variants that disrupt the donor or acceptor splice site typically lead to a loss of protein function (PMID: 16199547), and loss-of-function variants in PHEX are known to be pathogenic (PMID: 9097956, 9106524, 19219621).

Blueprint Genetics
Classification: Likely pathogenic for PHEX-related disorders. Last evaluated: 2018-09-14. Review status: criteria provided, single submitter. Criteria: ACMG Guidelines, 2015. Collection method: clinical testing. Allele origin: germline. Affected: yes. Observed: 1 variant allele.

Literature cited by the submitters: PubMed 14564066 (cited by Women's Health and Genetics/Laboratory Corporation of America, LabCorp); PubMed 34141703 (cited by Women's Health and Genetics/Laboratory Corporation of America, LabCorp); PubMed 32772199 (cited by Women's Health and Genetics/Laboratory Corporation of America, LabCorp); PubMed 16199547 (cited by Labcorp Genetics (formerly Invitae), Labcorp); PubMed 9097956 (cited by Labcorp Genetics (formerly Invitae), Labcorp); PubMed 9106524 (cited by Labcorp Genetics (formerly Invitae), Labcorp); PubMed 19219621 (cited by Labcorp Genetics (formerly Invitae), Labcorp).

NM_000444.6(PHEX):c.118+1G>A

Gene: PHEX (phosphate regulating endopeptidase X-linked; plus strand). Cytogenetic location: Xp22.11.
Variant type: single nucleotide variant.
Coding change: c.118+1G>A on transcript NM_000444.6 (MANE Select); the canonical splice donor site of the intron after coding-DNA position 118, G replaced by A.
Molecular consequence: splice donor variant.
Genome position (GRCh38, 1-based): chrX:22,033,124, G>A. VCF-style: chrX-22033124-G-A. GRCh37 (hg19) VCF-style: chrX-22051242-G-A.
Other names: c.118+1G>A (NM_001282754.2).
Identifiers: ClinVar variation 946464 (VCV000946464.13), dbSNP rs1131691731, ClinGen allele CA412564384.